The following is an entry in ClinVar:

ClinVar aggregate classification (germline): Uncertain significance. Review status: criteria provided, multiple submitters, no conflicts (2 of 4 stars). 2 submissions from 2 submitters: Uncertain significance (2). Last evaluated 2023-02-26.

Conditions:
Cortical dysplasia, complex, with other brain malformations 13. Also called: Intellectual disability, autosomal dominant 13. Identifiers: MedGen C3281202, MONDO:0013805, OMIM 614563.
Charcot-Marie-Tooth disease axonal type 2O. Also called: Charcot-Marie-Tooth disease, axonal, type 20; CHARCOT-MARIE-TOOTH NEUROPATHY, AXONAL, TYPE 2O; CHARCOT-MARIE-TOOTH DISEASE, AXONAL, AUTOSOMAL DOMINANT, TYPE 2O; Charcot-Marie-Tooth Neuropathy Type 2O. Identifiers: Orphanet 284232, MedGen C3280220, MONDO:0013644, OMIM 614228.

gnomAD v4.1: 1 of 1,614,126 alleles (0.000062%); no homozygotes.

Submissions (2):

Kariminejad - Najmabadi Pathology & Genetics Center
Classification: Uncertain significance for Charcot-Marie-Tooth disease axonal type 2O. Last evaluated: 2023-02-26. Review status: criteria provided, single submitter. Criteria: ACMG Guidelines, 2015. Collection method: clinical testing. Allele origin: germline. Inheritance: Autosomal dominant inheritance. Affected: yes.
Comment: PM2- PP3

3billion
Classification: Uncertain significance for Cortical dysplasia, complex, with other brain malformations 13. Last evaluated: 2022-09-01. Review status: criteria provided, single submitter. Criteria: ACMG Guidelines, 2015. Collection method: clinical testing. Allele origin: germline. Affected: yes. Observed: 1 heterozygote.
Comment: The variant is not observed in the gnomAD v2.1.1 dataset. Missense changes are a common disease-causing mechanism. In silico tool predictions suggest damaging effect of the variant on gene or gene product (REVEL: 0.70; 3Cnet: 0.17). Therefore, this variant is classified as uncertain significance according to the recommendation of ACMG/AMP guideline.

NM_001376.5(DYNC1H1):c.10561G>C (p.Asp3521His)

Gene: DYNC1H1 (dynein cytoplasmic 1 heavy chain 1; plus strand). Cytogenetic location: 14q32.31.
Variant type: single nucleotide variant.
Coding change: c.10561G>C on transcript NM_001376.5 (MANE Select); coding-DNA position 10561, G replaced by C.
Protein change: p.Asp3521His; replaces aspartic acid 3521 with histidine.
Molecular consequence: missense variant.
Genome position (GRCh38, 1-based): chr14:102,034,123, G>C. VCF-style: chr14-102034123-G-C. GRCh37 (hg19) VCF-style: chr14-102500460-G-C.
Other names: short protein forms D3521H.
Identifiers: ClinVar variation 1705612 (VCV001705612.2), dbSNP rs2503826205, ClinGen allele CA391027273.
Genomic context (GRCh38, chr14:102,034,123, plus strand): 5'-TCCACCATTGCTGGGGACTGTCTCTTGTCAGCTGCGTTCATTGCCTACGCGGGTTACTTT[G>C]ACCAGCAGATGCGTCAGAACTTGTTCACTACCTGGTCCCATCACCTACAGCAAGCCAACA-3'
Protein context (NP_001367.2, residues 3511-3531): AAFIAYAGYF[Asp3521His]QQMRQNLFTT